The following is an entry in ClinVar:

NM_001378414.1(HDAC4):c.1907A>G (p.Gln636Arg)

Gene: HDAC4 (histone deacetylase 4; minus strand). Cytogenetic location: 2q37.3.
Variant type: single nucleotide variant.
Coding change: c.1907A>G on transcript NM_001378414.1 (MANE Select); coding-DNA position 1907, A replaced by G.
Protein change: p.Gln636Arg; replaces glutamine 636 with arginine.
Molecular consequence: missense variant.
Genome position (GRCh38, 1-based): chr2:239,111,597, T>C on the plus strand (A>G on the coding strand, the complement: HDAC4 is on the minus strand). VCF-style: chr2-239111597-T-C. GRCh37 (hg19) VCF-style: chr2-240033293-T-C.
Other names: c.1907A>G, p.Gln636Arg (NM_001378415.1); c.1892A>G, p.Gln631Arg (NM_001378416.1, NM_001378417.1, NM_001435996.1 and 1 more transcripts); c.1826A>G, p.Gln609Arg (NM_001435991.1, NM_001435992.1, NM_001435994.1); c.1748A>G, p.Gln583Arg (NM_001435993.1); c.1811A>G, p.Gln604Arg (NM_001435998.1); short protein forms Q583R, Q604R, Q609R, Q631R, Q636R.
Identifiers: ClinVar variation 4680889 (VCV004680889.1).

ClinVar aggregate classification (germline): Uncertain significance (1 of 4 stars; one submission).

gnomAD v4.1: 1 of 1,611,648 alleles (0.000062%); highest among the groups gnomAD compares: Non-Finnish European, 0.000085%; no homozygotes.

Submission:

GeneDx
Classification: Uncertain significance. Last evaluated: 2025-07-01. Review status: criteria provided, single submitter. Criteria: GeneDx Variant Classification Process June 2021. Collection method: clinical testing. Allele origin: germline. Affected: yes.
Comment: Not observed at significant frequency in large population cohorts (gnomAD); In silico analysis supports that this missense variant has a deleterious effect on protein structure/function; Has not been previously published as pathogenic or benign to our knowledge